The following is an entry in ClinVar:

NM_005359.6(SMAD4):c.1346A>G (p.Gln449Arg)

Gene: SMAD4 (SMAD family member 4; plus strand). Cytogenetic location: 18q21.2.
Variant type: single nucleotide variant.
Coding change: c.1346A>G on transcript NM_005359.6 (MANE Select); coding-DNA position 1346, A replaced by G.
Protein change: p.Gln449Arg; replaces glutamine 449 with arginine.
Molecular consequence: missense variant. On other transcripts: non-coding transcript variant (1).
Genome position (GRCh38, 1-based): chr18:51,076,675, A>G. VCF-style: chr18-51076675-A-G. GRCh37 (hg19) VCF-style: chr18-48603045-A-G.
Other names: c.1346A>G, p.Gln449Arg (NM_001407041.1, NM_001407042.1); short protein forms Q449R.
Identifiers: ClinVar variation 2776724 (VCV002776724.4), dbSNP rs2511389645, ClinGen allele CA402465187.

ClinVar aggregate classification (germline): Uncertain significance. Review status: criteria provided, multiple submitters, no conflicts (2 of 4 stars). 2 submissions from 2 submitters: Uncertain significance (2). Last evaluated 2024-01-09.

Conditions:
Hereditary cancer-predisposing syndrome. Also called: Hereditary Cancer Syndrome; Hereditary neoplastic syndrome; Tumor predisposition; Neoplastic Syndromes, Hereditary. Identifiers: Orphanet 140162, MedGen C0027672, MeSH D009386, MONDO:0015356.
Familial thoracic aortic aneurysm and aortic dissection (TAAD). Also called: Thoracic aortic aneurysms and dissections. Identifiers: Orphanet 91387, MedGen C4707243, MONDO:0019625.
Juvenile polyposis syndrome (JPS). Identifiers: Orphanet 2929, MedGen C0345893, MONDO:0017380, OMIM 174900.

Allele frequency attached by ClinVar (database versions not stated): gnomAD exomes below 0.00001.
gnomAD v4.1: 2 of 1,613,974 alleles (0.00012%); highest among the groups gnomAD compares: Non-Finnish European, 0.00017%; no homozygotes.

Submissions (2):

Labcorp Genetics (formerly Invitae), Labcorp
Classification: Uncertain significance for Juvenile polyposis syndrome. Last evaluated: 2024-01-09. Review status: criteria provided, single submitter. Criteria: Invitae Variant Classification Sherloc (09022015). Collection method: clinical testing. Allele origin: germline.
Comment: This sequence change replaces glutamine, which is neutral and polar, with arginine, which is basic and polar, at codon 449 of the SMAD4 protein (p.Gln449Arg). This variant is not present in population databases (gnomAD no frequency). This variant has not been reported in the literature in individuals affected with SMAD4-related conditions. Advanced modeling of protein sequence and biophysical properties (such as structural, functional, and spatial information, amino acid conservation, physicochemical variation, residue mobility, and thermodynamic stability) has been performed at Invitae for this missense variant, however the output from this modeling did not meet the statistical confidence thresholds required to predict the impact of this variant on SMAD4 protein function. In summary, the available evidence is currently insufficient to determine the role of this variant in disease. Therefore, it has been classified as a Variant of Uncertain Significance.

Ambry Genetics
Classification: Uncertain significance for Hereditary cancer-predisposing syndrome; Familial thoracic aortic aneurysm and aortic dissection. Last evaluated: 2023-05-16. Review status: criteria provided, single submitter. Criteria: Ambry Variant Classification Scheme 2023. Collection method: clinical testing. Allele origin: germline.
Comment: The p.Q449R variant (also known as c.1346A>G), located in coding exon 10 of the SMAD4 gene, results from an A to G substitution at nucleotide position 1346. The glutamine at codon 449 is replaced by arginine, an amino acid with highly similar properties. This amino acid position is highly conserved in available vertebrate species. In addition, this alteration is predicted to be deleterious by in silico analysis. Since supporting evidence is limited at this time, the clinical significance of this alteration remains unclear.